The following is an entry in ClinVar:

NM_015450.3(POT1):c.1414_1415insT (p.Ser472fs)

Gene: POT1 (protection of telomeres 1; minus strand). Cytogenetic location: 7q31.33.
Variant type: Insertion.
Coding change: c.1414_1415insT on transcript NM_015450.3 (MANE Select); coding-DNA positions 1414 to 1415, T inserted.
Protein change: p.Ser472fs; shifts the reading frame from serine 472.
Molecular consequence: frameshift variant. On other transcripts: non-coding transcript variant (3).
Genome position: GRCh38 VCF-style: chr7-124835369-C-CA. GRCh37 (hg19) VCF-style: chr7-124475423-C-CA.
Other names: c.1021_1022insT, p.Ser341fs (NM_001042594.2); short protein forms S472fs, S341fs.
Identifiers: ClinVar variation 1035359 (VCV001035359.2), dbSNP rs1794873824, ClinGen allele CA1740718405.
Genomic context (GRCh38, chr7:124,835,369, plus strand): 5'-AATGGTGCTGAAAGGTCCAAAAGTTCCAGGTCTTCGTGGCCAGATCTCACAGGAATTACA[C>CA]TATTAAACTTGTTCGAGAGTTTGCAAATTTCACTGAGTGTACCTCCTGTTAAGAGAATAA-3'

ClinVar aggregate classification (germline): Pathogenic (1 of 4 stars; one submission).

Conditions:
Tumor predisposition syndrome 3 (TPDS3). Also called: Melanoma, cutaneous malignant, susceptibility to, 10; Glioma susceptibility 9; LONG TELOMERE SYNDROME, POT1-RELATED; POT1 Tumor Predisposition. Identifiers: Orphanet 618, MedGen C4014476, MONDO:0014368, OMIM 615848.

Submission:

Labcorp Genetics (formerly Invitae), Labcorp
Classification: Pathogenic for Tumor predisposition syndrome 3. Last evaluated: 2021-08-25. Review status: criteria provided, single submitter. Criteria: Invitae Variant Classification Sherloc (09022015). Collection method: clinical testing. Allele origin: germline.
Comment: This sequence change creates a premature translational stop signal (p.Asn471Phefs*34) in the POT1 gene. It is expected to result in an absent or disrupted protein product. Loss-of-function variants in POT1 are known to be pathogenic (PMID: 32155570). This variant is not present in population databases (ExAC no frequency). This variant has not been reported in the literature in individuals affected with POT1-related conditions. For these reasons, this variant has been classified as Pathogenic.

Literature cited by the submitters: PubMed 32155570.